The following is an entry in ClinVar:

ClinVar aggregate classification (germline): Uncertain significance (1 of 4 stars; one submission).

Conditions:
Neuroblastoma, susceptibility to, 3. Also called: ALK-Related Neuroblastic Tumor Susceptibility. Identifiers: Orphanet 635, MedGen C2751681, MONDO:0013083, OMIM 613014.

Submission:

Labcorp Genetics (formerly Invitae), Labcorp
Classification: Uncertain significance for Neuroblastoma, susceptibility to, 3. Last evaluated: 2024-11-11. Review status: criteria provided, single submitter. Criteria: Invitae Variant Classification Sherloc (09022015). Collection method: clinical testing. Allele origin: germline.
Comment: This sequence change replaces glutamine, which is neutral and polar, with histidine, which is basic and polar, at codon 1589 of the ALK protein (p.Gln1589His). This variant is not present in population databases (gnomAD no frequency). This variant has not been reported in the literature in individuals affected with ALK-related conditions. An algorithm developed to predict the effect of missense changes on protein structure and function (PolyPhen-2) suggests that this variant is likely to be disruptive. In summary, the available evidence is currently insufficient to determine the role of this variant in disease. Therefore, it has been classified as a Variant of Uncertain Significance.

NM_004304.5(ALK):c.4767G>T (p.Gln1589His)

Gene: ALK (ALK receptor tyrosine kinase; minus strand). Cytogenetic location: 2p23.2.
Variant type: single nucleotide variant.
Coding change: c.4767G>T on transcript NM_004304.5 (MANE Select); coding-DNA position 4767, G replaced by T.
Protein change: p.Gln1589His; replaces glutamine 1589 with histidine.
Molecular consequence: missense variant.
Genome position (GRCh38, 1-based): chr2:29,193,320, C>A on the plus strand (G>T on the coding strand, the complement: ALK is on the minus strand). VCF-style: chr2-29193320-C-A. GRCh37 (hg19) VCF-style: chr2-29416186-C-A.
Other names: c.1563G>T, p.Gln521His (NM_001353765.2); short protein forms Q1589H, Q521H.
Identifiers: ClinVar variation 3618997 (VCV003618997.2).